The following is an entry in ClinVar:

ClinVar aggregate classification (germline): Uncertain significance. Review status: criteria provided, multiple submitters, no conflicts (2 of 4 stars). 2 submissions from 2 submitters: Uncertain significance (2). Last evaluated 2026-05-13.

Conditions:
Hereditary cancer-predisposing syndrome. Also called: Tumor predisposition; Neoplastic Syndromes, Hereditary; Hereditary Cancer Syndrome; Hereditary neoplastic syndrome. Identifiers: Orphanet 140162, MedGen C0027672, MeSH D009386, MONDO:0015356.
Familial cancer of breast. Also called: BREAST CANCER, FAMILIAL; Hereditary breast cancer; hereditary breast carcinoma. Identifiers: Orphanet 227535, MedGen C0346153, MONDO:0016419, OMIM 114480. Disease mechanism: loss of function.

Submissions (2):

Ambry Genetics
Classification: Uncertain significance for Hereditary cancer-predisposing syndrome. Last evaluated: 2026-05-13. Review status: criteria provided, single submitter. Criteria: Ambry Variant Classification Scheme 2023. Collection method: clinical testing. Allele origin: germline.
Comment: The p.C420R variant (also known as c.1258T>C), located in coding exon 10 of the CHEK2 gene, results from a T to C substitution at nucleotide position 1258. The cysteine at codon 420 is replaced by arginine, an amino acid with highly dissimilar properties. This amino acid position is highly conserved in available vertebrate species. In addition, this alteration is predicted to be deleterious by in silico analysis. Based on the available evidence, the clinical significance of this variant remains unclear.

Labcorp Genetics (formerly Invitae), Labcorp
Classification: Uncertain significance for Familial cancer of breast. Last evaluated: 2024-01-10. Review status: criteria provided, single submitter. Criteria: Invitae Variant Classification Sherloc (09022015). Collection method: clinical testing. Allele origin: germline.
Comment: This sequence change replaces cysteine, which is neutral and slightly polar, with arginine, which is basic and polar, at codon 420 of the CHEK2 protein (p.Cys420Arg). This variant is not present in population databases (gnomAD no frequency). This variant has not been reported in the literature in individuals affected with CHEK2-related conditions. ClinVar contains an entry for this variant (Variation ID: 1468880). An algorithm developed to predict the effect of missense changes on protein structure and function (PolyPhen-2) suggests that this variant is likely to be disruptive. In summary, the available evidence is currently insufficient to determine the role of this variant in disease. Therefore, it has been classified as a Variant of Uncertain Significance.

NM_007194.4(CHEK2):c.1258T>C (p.Cys420Arg)

Gene: CHEK2 (checkpoint kinase 2; minus strand). Cytogenetic location: 22q12.1.
Variant type: single nucleotide variant.
Coding change: c.1258T>C on transcript NM_007194.4 (MANE Select); coding-DNA position 1258, T replaced by C.
Protein change: p.Cys420Arg; replaces cysteine 420 with arginine.
Molecular consequence: missense variant.
Genome position (GRCh38, 1-based): chr22:28,695,711, A>G on the plus strand (T>C on the coding strand, the complement: CHEK2 is on the minus strand). VCF-style: chr22-28695711-A-G. GRCh37 (hg19) VCF-style: chr22-29091699-A-G.
Other names: c.1387T>C, p.Cys463Arg (NM_001005735.3); c.595T>C, p.Cys199Arg (NM_001257387.3); c.1057T>C, p.Cys353Arg (NM_001349956.3); c.1171T>C, p.Cys391Arg (NM_145862.3); c.1258T>C (NM_007194.3); short protein forms C199R, C353R, C391R, C420R, C463R.
Identifiers: ClinVar variation 1468880 (VCV001468880.10), dbSNP rs2145800838, ClinGen allele CA411096492.